The following is an entry in ClinVar:

ClinVar aggregate classification (germline): Likely pathogenic. Review status: criteria provided, multiple submitters, no conflicts (2 of 4 stars). 2 submissions from 2 submitters: Likely pathogenic (2). Last evaluated 2025-06-08.

Conditions:
Leber congenital amaurosis (LCA). Also called: Leber's amaurosis. Identifiers: Orphanet 65, MedGen C0339527, MeSH D057130, MONDO:0018998.
Leber congenital amaurosis 10 (LCA10). Identifiers: Orphanet 65, MedGen C1857821, MONDO:0012723, OMIM 611755.
Joubert syndrome 5 (JBTS5). Identifiers: Orphanet 2318, MedGen C1857780, MONDO:0012432, OMIM 610188.
Senior-Loken syndrome 6 (SLSN6). Identifiers: Orphanet 3156, MedGen C1857779, MONDO:0012433, OMIM 610189.
Meckel syndrome, type 4 (MKS4). Also called: MECKEL-GRUBER SYNDROME, TYPE 4. Identifiers: Orphanet 564, MedGen C1970161, MONDO:0012626, OMIM 611134.
Bardet-Biedl syndrome 14 (BBS14). Identifiers: Orphanet 110, MedGen C2673874, MONDO:0014442, OMIM 615991.

Submissions (2):

Natera, Inc.
Classification: Likely pathogenic for Leber congenital amaurosis. Last evaluated: 2025-06-08. Review status: criteria provided, single submitter. Criteria: Natera Variant Classification Schema (03/2026). Collection method: clinical testing. Allele origin: germline.
Comment: The c.423del variant in CEP290 is a frameshift variant predicted to shift the reading frame beginning at codon 142 and leads to a stop codon 21 codons downstream. This variant is expected to result in nonsense mediated decay, truncation, or a dysfunctional protein product. This variant is rare in the general population with a frequency below the threshold expected for the associated phenotype(s). Given the available evidence, this variant is classified as Likely Pathogenic.

Juno Genomics, Hangzhou Juno Genomics, Inc
Classification: Likely pathogenic for Bardet-Biedl syndrome 14; Joubert syndrome 5; Leber congenital amaurosis 10; Meckel syndrome, type 4; Senior-Loken syndrome 6. Review status: criteria provided, single submitter. Criteria: ACMG Guidelines, 2015. Collection method: clinical testing. Allele origin: germline.
Comment: Null variant in a gene where loss of function (LOF) is a known mechanism of disease.;Absent from controls (or at extremely low frequency if recessive) in Genome Aggregation Database.

NM_025114.4(CEP290):c.423del (p.Lys142fs)

Gene: CEP290 (centrosomal protein 290; minus strand). Cytogenetic location: 12q21.32.
Variant type: Deletion.
Coding change: c.423del on transcript NM_025114.4 (MANE Select); coding-DNA position 423, one base deleted (G; older notation c.423delG).
Protein change: p.Lys142fs; shifts the reading frame from lysine 142.
Molecular consequence: frameshift variant.
Genome position (GRCh38, 1-based): chr12:88,136,661, C deleted on the plus strand (G on the coding strand, the reverse complement: CEP290 is on the minus strand). VCF-style (leftmost placement, unchanged base first): chr12-88136660-TC-T. GRCh37 (hg19) VCF-style: chr12-88530437-TC-T.
Other names: short protein forms K142fs.
Identifiers: ClinVar variation 4816215 (VCV004816215.3).